The following is an entry in ClinVar:

NM_000180.4(GUCY2D):c.659C>T (p.Pro220Leu)

Gene: GUCY2D (guanylate cyclase 2D, retinal; plus strand). Cytogenetic location: 17p13.1.
Variant type: single nucleotide variant.
Coding change: c.659C>T on transcript NM_000180.4 (MANE Select); coding-DNA position 659, C replaced by T.
Protein change: p.Pro220Leu; replaces proline 220 with leucine.
Molecular consequence: missense variant.
Genome position (GRCh38, 1-based): chr17:8,003,706, C>T. VCF-style: chr17-8003706-C-T. GRCh37 (hg19) VCF-style: chr17-7907024-C-T.
Other names: c.659C>T (NM_000180.3); short protein forms P220L.
Identifiers: ClinVar variation 1056009 (VCV001056009.10), dbSNP rs769129492, ClinGen allele CA8365530.

ClinVar aggregate classification (germline): Uncertain significance. Review status: criteria provided, multiple submitters, no conflicts (2 of 4 stars). 3 submissions from 3 submitters: Uncertain significance (3). Last evaluated 2026-08-17.

Conditions:
GUCY2D-related disorder. Also called: GUCY2D-related condition.
Inborn genetic diseases. Identifiers: MedGen C0950123, MeSH D030342.
Leber congenital amaurosis 1 (LCA1). Also called: Congenital absence of the rods and cones; Leber's congenital tapetoretinal degeneration; Leber's congenital tapetoretinal dysplasia; AMAUROSIS CONGENITA OF LEBER I; RETINAL BLINDNESS, CONGENITAL. Identifiers: Orphanet 65, MedGen C2931258, MONDO:0008764, OMIM 204000.
Cone-rod dystrophy 6 (CORD6). Also called: Cone dystrophy progressive; RETINAL CONE DYSTROPHY 2. Identifiers: Orphanet 1872, MedGen C1866293, MONDO:0011143, OMIM 601777.

Allele frequency attached by ClinVar (database versions not stated): gnomAD exomes 0.00002 and 0.00003; ExAC 0.00004; gnomAD 0.00005 and 0.00006; TOPMed 0.00006.
gnomAD v4.1: 54 of 1,598,164 alleles (0.0034%); highest among the groups gnomAD compares: Non-Finnish European, 0.0042%; no homozygotes.

Submissions (3):

PreventionGenetics, part of Exact Sciences
Classification: Uncertain significance for GUCY2D-related condition. Last evaluated: 2026-08-17. Review status: criteria provided, single submitter. Criteria: ACMG Guidelines, 2015. Collection method: clinical testing. Allele origin: germline.
Comment: The GUCY2D c.659C>T variant is predicted to result in the amino acid substitution p.Pro220Leu. To our knowledge, this variant has not been reported in the literature. This variant is present in 0.0051% of alleles in individuals of European (Non-Finnish) descent in gnomAD. At this time, the clinical significance of this variant is uncertain due to the absence of conclusive functional and genetic evidence.

Labcorp Genetics (formerly Invitae), Labcorp
Classification: Uncertain significance for Leber congenital amaurosis 1; Cone-rod dystrophy 6. Last evaluated: 2025-10-21. Review status: criteria provided, single submitter. Criteria: Invitae Variant Classification Sherloc (09022015). Collection method: clinical testing. Allele origin: germline.
Comment: This sequence change replaces proline, which is neutral and non-polar, with leucine, which is neutral and non-polar, at codon 220 of the GUCY2D protein (p.Pro220Leu). This variant is present in population databases (rs769129492, gnomAD 0.005%). This variant has not been reported in the literature in individuals affected with GUCY2D-related conditions. ClinVar contains an entry for this variant (Variation ID: 1056009). Invitae Evidence Modeling of protein sequence and biophysical properties (such as structural, functional, and spatial information, amino acid conservation, physicochemical variation, residue mobility, and thermodynamic stability) indicates that this missense variant is not expected to disrupt GUCY2D protein function with a negative predictive value of 80%. In summary, the available evidence is currently insufficient to determine the role of this variant in disease. Therefore, it has been classified as a Variant of Uncertain Significance.

Ambry Genetics
Classification: Uncertain significance for Inborn genetic diseases. Last evaluated: 2023-12-21. Review status: criteria provided, single submitter. Criteria: Ambry Variant Classification Scheme 2023. Collection method: clinical testing. Allele origin: germline.